The following is an entry in ClinVar:

NM_005751.5(AKAP9):c.-2C>A

Genes: AKAP9 (A-kinase anchoring protein 9; plus strand), LOC129998788 (ATAC-STARR-seq lymphoblastoid active region 26256; plus strand). Cytogenetic location: 7q21.2.
Variant type: single nucleotide variant.
Coding change: c.-2C>A on transcript NM_005751.5 (MANE Select); 2 bases upstream of the start codon, C replaced by A.
Molecular consequence: 5 prime UTR variant.
Genome position (GRCh38, 1-based): chr7:91,941,098, C>A. VCF-style: chr7-91941098-C-A. GRCh37 (hg19) VCF-style: chr7-91570412-C-A.
Other names: c.-2C>A (NM_147185.3).
Identifiers: ClinVar variation 4613408 (VCV004613408.1).
Genomic context (GRCh38, chr7:91,941,098, plus strand): 5'-TTTCCTTTCTATCCCCAACCACCCCTCAACCCCTGTTTTCCCCTGCCTTCCTTGCAGAGG[C>A]CATGGAGGACGAGGAGAGACAGAAGAAGCTGGAGGCCGGCAAAGCCAAGGTAGGAGAGCC-3'

ClinVar aggregate classification (germline): Uncertain significance (1 of 4 stars; one submission).

Conditions:
Cardiovascular phenotype. Identifiers: MedGen CN230736.

Submission:

Ambry Genetics
Classification: Uncertain significance for Cardiovascular phenotype. Last evaluated: 2025-11-21. Review status: criteria provided, single submitter. Criteria: Ambry Variant Classification Scheme 2023. Collection method: clinical testing. Allele origin: germline.
Comment: The c.-2C>A variant is located in the 5' untranslated region (5&rsquo;UTR) of the AKAP9 gene. This variant results from a C to A substitution 2 nucleotides upstream from the first translated codon. This nucleotide position is highly conserved in available vertebrate species. The evidence for this gene-disease relationship is limited; therefore, the clinical significance of this alteration is unclear.